The following is an entry in ClinVar:

ClinVar aggregate classification (germline): Uncertain significance (1 of 4 stars; one submission).

Conditions:
Cardiomyopathy (CMYO). Also called: Cardiomyopathies. Identifiers: Orphanet 167848, MedGen C0878544, MONDO:0004994, HP:0001638. Inheritance: Various modes of inheritance.

Submission:

Color Diagnostics, LLC DBA Color Health
Classification: Uncertain significance for Cardiomyopathy. Last evaluated: 2024-03-06. Review status: criteria provided, single submitter. Criteria: ACMG Guidelines, 2015. Collection method: clinical testing. Allele origin: germline.
Comment: This missense variant replaces histidine with arginine at codon 747 of the RYR2 protein. Computational prediction suggests that this variant may not impact protein structure and function (internally defined REVEL score threshold <= 0.5, PMID: 27666373). To our knowledge, functional studies have not been reported for this variant. This variant has not been reported in individuals affected with cardiovascular disorders in the literature. This variant has not been identified in the general population by the Genome Aggregation Database (gnomAD). The available evidence is insufficient to determine the role of this variant in disease conclusively. Therefore, this variant is classified as a Variant of Uncertain Significance.

NM_001035.3(RYR2):c.2240A>G (p.His747Arg)

Gene: RYR2 (ryanodine receptor 2; plus strand). Cytogenetic location: 1q43.
Variant type: single nucleotide variant.
Coding change: c.2240A>G on transcript NM_001035.3 (MANE Select); coding-DNA position 2240, A replaced by G.
Protein change: p.His747Arg; replaces histidine 747 with arginine.
Molecular consequence: missense variant.
Genome position (GRCh38, 1-based): chr1:237,500,747, A>G. VCF-style: chr1-237500747-A-G. GRCh37 (hg19) VCF-style: chr1-237664047-A-G.
Other names: short protein forms H747R.
Identifiers: ClinVar variation 2774264 (VCV002774264.2), dbSNP rs2545867584, ClinGen allele CA345393071.